The following is an entry in ClinVar:

NC_000003.12:g.169765043G>A

Genes: TERC (telomerase RNA component; minus strand), LOC110806306 (telomerase RNA component (TERC) promoter; plus strand). Cytogenetic location: 3q26.2.
Variant type: single nucleotide variant.
Genome position: GRCh38 VCF-style: chr3-169765043-G-A. GRCh37 (hg19) VCF-style: chr3-169482831-G-A.
Identifiers: ClinVar variation 636628 (VCV000636628.9), dbSNP rs751824499, ClinGen allele CA436716035.

ClinVar aggregate classification (germline): Uncertain significance. Review status: criteria provided, multiple submitters, no conflicts (2 of 4 stars). 2 submissions from 2 submitters: Uncertain significance (2). Last evaluated 2024-09-30.

Conditions:
Dyskeratosis congenita, autosomal dominant 1 (DKCA1). Also called: Dyskeratosis congenita Scoggins type. Identifiers: Orphanet 1775, MedGen C4551974, MONDO:0007485, OMIM 127550. Inheritance: Variable.

Allele frequency attached by ClinVar (database versions not stated): TOPMed below 0.00001.
gnomAD v4.1: 1 of 764,876 alleles (0.00013%); highest among the groups gnomAD compares: Non-Finnish European, 0.00024%; no homozygotes.

Submissions (2):

Labcorp Genetics (formerly Invitae), Labcorp
Classification: Uncertain significance for Dyskeratosis congenita, autosomal dominant 1. Last evaluated: 2024-09-30. Review status: criteria provided, single submitter. Criteria: Invitae Variant Classification Sherloc (09022015). Collection method: clinical testing. Allele origin: germline.
Comment: This variant occurs in the TERC gene, which encodes an RNA molecule that does not result in a protein product. This variant is present in population databases (no rsID available, gnomAD 0.003%). This variant has not been reported in the literature in individuals affected with TERC-related conditions. ClinVar contains an entry for this variant (Variation ID: 636628). This variant is located at the 5’ end of the TERC RNA component (PMID: 15082312, 21844345). The functional significance of this region is not well understood. In summary, the available evidence is currently insufficient to determine the role of this variant in disease. Therefore, it has been classified as a Variant of Uncertain Significance.

Blueprint Genetics
Classification: Uncertain significance. Last evaluated: 2018-04-27. Review status: criteria provided, single submitter. Criteria: ACMG Guidelines, 2015. Collection method: clinical testing. Allele origin: germline.

Literature cited by the submitters: PubMed 15082312 (cited by Labcorp Genetics (formerly Invitae), Labcorp); PubMed 21844345 (cited by Labcorp Genetics (formerly Invitae), Labcorp).